The following is an entry in ClinVar:

ClinVar aggregate classification (germline): Uncertain significance (1 of 4 stars; one submission).

gnomAD v4.1: 1 of 1,611,610 alleles (0.000062%); highest among the groups gnomAD compares: African/African-American, 0.0013%; no homozygotes.

Submission:

GeneDx
Classification: Uncertain significance. Last evaluated: 2024-02-23. Review status: criteria provided, single submitter. Criteria: GeneDx Variant Classification Process June 2021. Collection method: clinical testing. Allele origin: germline. Affected: yes.
Comment: Not observed at significant frequency in large population cohorts (gnomAD); In silico analysis supports that this missense variant does not alter protein structure/function; In silico analysis suggests this variant may impact gene splicing. In the absence of RNA/functional studies, the actual effect of this sequence change is unknown.; Has not been previously published as pathogenic or benign to our knowledge

NM_003482.4(KMT2D):c.4678G>C (p.Val1560Leu)

Gene: KMT2D (lysine methyltransferase 2D; minus strand). Cytogenetic location: 12q13.12.
Variant type: single nucleotide variant.
Coding change: c.4678G>C on transcript NM_003482.4 (MANE Select); coding-DNA position 4678, G replaced by C.
Protein change: p.Val1560Leu; replaces valine 1560 with leucine.
Molecular consequence: missense variant.
Genome position (GRCh38, 1-based): chr12:49,046,080, C>G on the plus strand (G>C on the coding strand, the complement: KMT2D is on the minus strand). VCF-style: chr12-49046080-C-G. GRCh37 (hg19) VCF-style: chr12-49439863-C-G.
Other names: short protein forms V1560L.
Identifiers: ClinVar variation 3369764 (VCV003369764.1).